The following is an entry in ClinVar:

ClinVar aggregate classification (germline): Uncertain significance (1 of 4 stars; one submission).

Conditions:
DLG2-related disorder. Also called: DLG2-related condition.

Submission:

PreventionGenetics, part of Exact Sciences
Classification: Uncertain significance for DLG2-related condition. Last evaluated: 2023-08-24. Review status: criteria provided, single submitter. Criteria: ACMG Guidelines, 2015. Collection method: clinical testing. Allele origin: germline.
Comment: The DLG2 c.1117A>C variant is predicted to result in the amino acid substitution p.Thr373Pro. To our knowledge, this variant has not been reported in the literature or in a large population database, indicating this variant is rare. At this time, the clinical significance of this variant is uncertain due to the absence of conclusive functional and genetic evidence.

NM_001142699.3(DLG2):c.1117A>C (p.Thr373Pro)

Gene: DLG2 (discs large MAGUK scaffold protein 2; minus strand). Cytogenetic location: 11q14.1.
Variant type: single nucleotide variant.
Coding change: c.1117A>C on transcript NM_001142699.3 (MANE Select); coding-DNA position 1117, A replaced by C.
Protein change: p.Thr373Pro; replaces threonine 373 with proline.
Molecular consequence: missense variant. On other transcripts: non-coding transcript variant (1).
Genome position (GRCh38, 1-based): chr11:83,965,408, T>G on the plus strand (A>C on the coding strand, the complement: DLG2 is on the minus strand). VCF-style: chr11-83965408-T-G. GRCh37 (hg19) VCF-style: chr11-83676451-T-G.
Other names: c.649A>C, p.Thr217Pro (NM_001142700.2); c.919A>C, p.Thr307Pro (NM_001206769.2, NM_001377966.1, NM_001377967.1 and 2 more transcripts); c.802A>C, p.Thr268Pro (NM_001300983.1, NM_001364.3, NM_001377968.1); c.1153A>C, p.Thr385Pro (NM_001351274.2); c.1150A>C, p.Thr384Pro (NM_001351275.2); c.859A>C, p.Thr287Pro (NM_001351276.2); c.703A>C, p.Thr235Pro (NM_001377972.1, NM_001377974.1, NM_001377975.1); c.676A>C, p.Thr226Pro (NM_001377973.1); short protein forms T217P, T226P, T235P, T268P, T287P, T307P, T373P, T384P.
Identifiers: ClinVar variation 2630980 (VCV002630980.1), dbSNP rs2546677482, ClinGen allele CA382196010.
Genomic context (GRCh38, chr11:83,965,408, plus strand): 5'-AAGGATCAGTCATATAAATGGTAGTGGGTTTGCCAACTTTTAAATAAACTACCTCTGATG[T>G]GTTCTTTAATATTGCTACTGCCTCTTCGTGTGTTACTTCTTCTAAACTGTAGTTGTTTAC-3'
Protein context (NP_001136171.1, residues 363-383): HEEAVAILKN[Thr373Pro]SEVVYLKVGK